The following is an entry in ClinVar:

NM_197968.4(ZMYM2):c.2720del (p.Pro907fs)

Gene: ZMYM2 (zinc finger MYM-type containing 2; plus strand). Cytogenetic location: 13q12.11.
Variant type: Deletion.
Coding change: c.2720del on transcript NM_197968.4 (MANE Select); coding-DNA position 2720, one base deleted (C; older notation c.2720delC).
Protein change: p.Pro907fs; shifts the reading frame from proline 907.
Molecular consequence: frameshift variant. On other transcripts: non-coding transcript variant (1).
Genome position (GRCh38, 1-based): chr13:20,059,543, C deleted; the last of 2 consecutive C bases (chr13:20,059,542-20,059,543); deleting either gives the same sequence. VCF-style (leftmost placement, unchanged base first): chr13-20059541-TC-T. GRCh37 (hg19) VCF-style: chr13-20633681-TC-T.
Other names: c.2720del, p.Pro907fs (NM_001190964.4, NM_001190965.4, NM_001353157.2 and 5 more transcripts); c.2525del, p.Pro842fs (NM_001353161.3); c.2459del, p.Pro820fs (NM_001353163.2); short protein forms P820fs, P842fs, P907fs.
Identifiers: ClinVar variation 3766502 (VCV003766502.1).
Genomic context (GRCh38, chr13:20,059,541, plus strand): 5'-TATCCCTGTGCCTGTGTATATCCCAGTTCCTATGCACATGTACAGTCAGAATATTCCTGT[TC>T]CTACTACAGTTCCTGTTCCTGTAAGTCACATTTTAAGTTCTTTCTCATTTTGAGATTTAG-3'

ClinVar aggregate classification (germline): Likely pathogenic (1 of 4 stars; one submission).

Conditions:
Neurodevelopmental-craniofacial syndrome with variable renal and cardiac abnormalities. Identifiers: MedGen C5561984, MONDO:0859190, OMIM 619522.

Submission:

ARUP Laboratories, Molecular Genetics and Genomics, ARUP Laboratories
Classification: Likely pathogenic for Neurodevelopmental-craniofacial syndrome with variable renal and cardiac abnormalities. Last evaluated: 2023-12-11. Review status: criteria provided, single submitter. Criteria: ARUP Molecular Germline Variant Investigation Process 2024. Collection method: clinical testing. Allele origin: germline.
Comment: The ZMYM2 c.2720del; p.Pro907LeufsTer31 variant, to our knowledge, is not reported in the medical literature or gene specific databases. This variant is absent from the Genome Aggregation Database (v2.1.1), indicating it is not a common polymorphism. This variant causes a frameshift by deleting a single nucleotide, so it is predicted to result in a truncated protein or mRNA subject to nonsense-mediated decay. Additionally, several downstream truncating variants have been described in affected individuals and are considered pathogenic (Connaughton 2020). Based on available information, the p.Pro907LeufsTer31 variant is considered to be likely pathogenic. REFERENCES Connaughton DM et al. Mutations of the Transcriptional Corepressor ZMYM2 Cause Syndromic Urinary Tract Malformations. Am J Hum Genet. 2020 Oct 1;107(4):727-742. PMID: 32891193.